The following is an entry in ClinVar:

ClinVar aggregate classification (germline): Uncertain significance (1 of 4 stars; one submission).

Conditions:
Paroxysmal nonkinesigenic dyskinesia. Also called: Paroxysmal non-kinesigenic dyskinesia. Identifiers: Orphanet 98810, MedGen C1869117, MONDO:0700088.

gnomAD v4.1: 1 of 1,613,640 alleles (0.000062%); highest among the groups gnomAD compares: East Asian, 0.0022%; no homozygotes.

Submission:

Labcorp Genetics (formerly Invitae), Labcorp
Classification: Uncertain significance for Paroxysmal nonkinesigenic dyskinesia. Last evaluated: 2024-10-31. Review status: criteria provided, single submitter. Criteria: Invitae Variant Classification Sherloc (09022015). Collection method: clinical testing. Allele origin: germline.
Comment: This sequence change replaces histidine, which is basic and polar, with glutamine, which is neutral and polar, at codon 172 of the PNKD protein (p.His172Gln). This variant is present in population databases (rs761550458, gnomAD 0.006%). This variant has not been reported in the literature in individuals affected with PNKD-related conditions. Invitae Evidence Modeling of protein sequence and biophysical properties (such as structural, functional, and spatial information, amino acid conservation, physicochemical variation, residue mobility, and thermodynamic stability) indicates that this missense variant is expected to disrupt PNKD protein function with a positive predictive value of 80%. In summary, the available evidence is currently insufficient to determine the role of this variant in disease. Therefore, it has been classified as a Variant of Uncertain Significance.

NM_015488.5(PNKD):c.516C>A (p.His172Gln)

Genes: PNKD (PNKD metallo-beta-lactamase domain containing; plus strand), CATIP-AS2 (CATIP antisense RNA 2; minus strand). Cytogenetic location: 2q35.
Variant type: single nucleotide variant.
Coding change: c.516C>A on transcript NM_015488.5 (MANE Select); coding-DNA position 516, C replaced by A.
Protein change: p.His172Gln; replaces histidine 172 with glutamine.
Molecular consequence: missense variant.
Genome position (GRCh38, 1-based): chr2:218,340,778, C>A. VCF-style: chr2-218340778-C-A. GRCh37 (hg19) VCF-style: chr2-219205501-C-A.
Other names: c.444C>A, p.His148Gln (NM_022572.5); short protein forms H148Q, H172Q.
Identifiers: ClinVar variation 3669384 (VCV003669384.2).